The following is an entry in ClinVar:

ClinVar aggregate classification (germline): Uncertain significance (1 of 4 stars; one submission).

Submission:

Labcorp Genetics (formerly Invitae), Labcorp
Classification: Uncertain significance. Last evaluated: 2022-09-27. Review status: criteria provided, single submitter. Criteria: Invitae Variant Classification Sherloc (09022015). Collection method: clinical testing. Allele origin: germline.
Comment: This sequence change replaces glutamine, which is neutral and polar, with lysine, which is basic and polar, at codon 1111 of the COL4A4 protein (p.Gln1111Lys). This variant is not present in population databases (gnomAD no frequency). This variant has not been reported in the literature in individuals affected with COL4A4-related conditions. Advanced modeling of protein sequence and biophysical properties (such as structural, functional, and spatial information, amino acid conservation, physicochemical variation, residue mobility, and thermodynamic stability) performed at Invitae indicates that this missense variant is not expected to disrupt COL4A4 protein function. In summary, the available evidence is currently insufficient to determine the role of this variant in disease. Therefore, it has been classified as a Variant of Uncertain Significance.

NM_000092.5(COL4A4):c.3331C>A (p.Gln1111Lys)

Gene: COL4A4 (collagen type IV alpha 4 chain; minus strand). Cytogenetic location: 2q36.3.
Variant type: single nucleotide variant.
Coding change: c.3331C>A on transcript NM_000092.5 (MANE Select); coding-DNA position 3331, C replaced by A.
Protein change: p.Gln1111Lys; replaces glutamine 1111 with lysine.
Molecular consequence: missense variant.
Genome position (GRCh38, 1-based): chr2:227,043,143, G>T on the plus strand (C>A on the coding strand, the complement: COL4A4 is on the minus strand). VCF-style: chr2-227043143-G-T. GRCh37 (hg19) VCF-style: chr2-227907859-G-T.
Other names: short protein forms Q1111K.
Identifiers: ClinVar variation 1964448 (VCV001964448.2), dbSNP rs2473718276, ClinGen allele CA350838517.